The following is an entry in ClinVar:

NM_003482.4(KMT2D):c.9265G>A (p.Val3089Met)

Gene: KMT2D (lysine methyltransferase 2D; minus strand). Cytogenetic location: 12q13.12.
Variant type: single nucleotide variant.
Coding change: c.9265G>A on transcript NM_003482.4 (MANE Select); coding-DNA position 9265, G replaced by A.
Protein change: p.Val3089Met; replaces valine 3089 with methionine.
Molecular consequence: missense variant.
Genome position (GRCh38, 1-based): chr12:49,038,091, C>T on the plus strand (G>A on the coding strand, the complement: KMT2D is on the minus strand). VCF-style: chr12-49038091-C-T. GRCh37 (hg19) VCF-style: chr12-49431874-C-T.
Other names: short protein forms V3089M.
Identifiers: ClinVar variation 2642951 (VCV002642951.24), dbSNP rs2498385006, ClinGen allele CA384739150.

ClinVar aggregate classification (germline): Uncertain significance (1 of 4 stars; one submission).

gnomAD v4.1: 1 of 1,613,692 alleles (0.000062%); highest among the groups gnomAD compares: Non-Finnish European, 0.000085%; no homozygotes.

Submission:

CeGaT Center for Human Genetics Tuebingen
Classification: Uncertain significance. Last evaluated: 2022-09-01. Review status: criteria provided, single submitter. Criteria: CeGaT Center For Human Genetics Tuebingen Variant Classification Criteria Version 2. Collection method: clinical testing. Allele origin: germline. Affected: yes. Observed: 1 variant allele.
Comment: KMT2D: PM2, PP2